The following is an entry in ClinVar:

NM_002691.4(POLD1):c.1432A>C (p.Ser478Arg)

Gene: POLD1 (DNA polymerase delta 1, catalytic subunit; plus strand). Cytogenetic location: 19q13.33.
Variant type: single nucleotide variant.
Coding change: c.1432A>C on transcript NM_002691.4 (MANE Select); coding-DNA position 1432, A replaced by C.
Protein change: p.Ser478Arg; replaces serine 478 with arginine.
Molecular consequence: missense variant. On other transcripts: non-coding transcript variant (1).
Genome position (GRCh38, 1-based): chr19:50,406,455, A>C. VCF-style: chr19-50406455-A-C. GRCh37 (hg19) VCF-style: chr19-50909712-A-C.
Other names: c.1432A>C, p.Ser478Arg (NM_001256849.1, NM_001308632.1, NM_001438210.1 and 3 more transcripts); short protein forms S478R.
Identifiers: ClinVar variation 4082309 (VCV004082309.1).

ClinVar aggregate classification (germline): Likely pathogenic (1 of 4 stars; one submission).

Conditions:
Hereditary cancer-predisposing syndrome. Also called: Tumor predisposition; Neoplastic Syndromes, Hereditary; Hereditary neoplastic syndrome; Hereditary Cancer Syndrome. Identifiers: Orphanet 140162, MedGen C0027672, MeSH D009386, MONDO:0015356.

Submission:

Molecular Diagnostics Laboratory, Catalan Institute of Oncology
Classification: Likely pathogenic for Hereditary cancer-predisposing syndrome. Last evaluated: 2025-07-15. Review status: criteria provided, single submitter. Criteria: Submitter's publication. Collection method: clinical testing. Allele origin: germline.
Comment: PM1_Supporting, PM2_Supporting, PP3, PM5, PP4_Moderate c.1432A>C, located in exon 12 of the POLD1 gene, is predicted to result in the substitution of serine by arginine at codon 478, p.(Ser478Arg). It is located at the Exo IV motif (PM1_Supporting). This variant is not present in the population database gnomAD v2.1.1, non cancer dataset (PM2_Supporting). The SpliceAI algorithm predicts no significant impact on splicing; the REVEL meta-predictor score for this variant (0.696) suggests a deleterious effect on protein function (PP3). In addition, there is another missense variant (c.1433G>A) classified as pathogenic at the same codon (PM5). To our knowledge, functional studies have not been reported for this variant. In addition, it has not been identified neither In ClinVar nor LOVD databases. Based on currently available information, the variant c.1432A>C is classified as a likely pathogenic variant according to POLE/POLD1 Guidelines (PMID 37848928).